The following is an entry in ClinVar:

NM_004369.4(COL6A3):c.4240G>C (p.Glu1414Gln)

Gene: COL6A3 (collagen type VI alpha 3 chain; minus strand). Cytogenetic location: 2q37.3.
Variant type: single nucleotide variant.
Coding change: c.4240G>C on transcript NM_004369.4 (MANE Select); coding-DNA position 4240, G replaced by C.
Protein change: p.Glu1414Gln; replaces glutamic acid 1414 with glutamine.
Molecular consequence: missense variant.
Genome position (GRCh38, 1-based): chr2:237,371,777, C>G on the plus strand (G>C on the coding strand, the complement: COL6A3 is on the minus strand). VCF-style: chr2-237371777-C-G. GRCh37 (hg19) VCF-style: chr2-238280420-C-G.
Other names: c.3019G>C, p.Glu1007Gln (NM_057164.5); c.3622G>C, p.Glu1208Gln (NM_057165.5, NM_057167.4); c.2419G>C, p.Glu807Gln (NM_057166.5); short protein forms E1414Q, E1007Q, E807Q, E1208Q.
Identifiers: ClinVar variation 425259 (VCV000425259.36), dbSNP rs539986030, ClinGen allele CA2188967.

ClinVar aggregate classification (germline): Conflicting classifications of pathogenicity. Review status: criteria provided, conflicting classifications (1 of 4 stars). 5 submissions from 5 submitters: Uncertain significance (4); Likely benign (1). Last evaluated 2025-11-13.

Conditions:
Inborn genetic diseases. Identifiers: MedGen C0950123, MeSH D030342.
Bethlem myopathy 1A. Also called: Bethlem myopathy 1; Bethlem Muscular Dystrophy; MYOPATHY, BENIGN CONGENITAL, WITH CONTRACTURES. Identifiers: Orphanet 610, MedGen CN029274, MONDO:0024530, OMIM 158810.

Allele frequency attached by ClinVar (database versions not stated): gnomAD 0.00001; gnomAD exomes 0.00001; TOPMed 0.00001; ExAC 0.00002.

Submissions (5):

Labcorp Genetics (formerly Invitae), Labcorp
Classification: Likely benign for Bethlem myopathy 1A. Last evaluated: 2025-11-13. Review status: criteria provided, single submitter. Criteria: Invitae Variant Classification Sherloc (09022015). Collection method: clinical testing. Allele origin: germline.

Revvity Omics, Revvity
Classification: Uncertain significance. Last evaluated: 2025-07-23. Review status: criteria provided, single submitter. Criteria: ACMG Guidelines, 2015. Collection method: clinical testing. Allele origin: germline.

Ambry Genetics
Classification: Uncertain significance for Inborn genetic diseases. Last evaluated: 2024-09-25. Review status: criteria provided, single submitter. Criteria: Ambry Variant Classification Scheme 2023. Collection method: clinical testing. Allele origin: germline.

CeGaT Center for Human Genetics Tuebingen
Classification: Uncertain significance. Last evaluated: 2023-11-01. Review status: criteria provided, single submitter. Criteria: CeGaT Center For Human Genetics Tuebingen Variant Classification Criteria Version 2. Collection method: clinical testing. Allele origin: germline. Affected: yes. Observed: 2 variant alleles.
Comment: COL6A3: PM2, BP4

GeneDx
Classification: Uncertain significance. Last evaluated: 2022-10-18. Review status: criteria provided, single submitter. Criteria: GeneDx Variant Classification Process June 2021. Collection method: clinical testing. Allele origin: germline. Affected: yes.
Comment: Not observed at significant frequency in large population cohorts (gnomAD); In silico analysis supports that this missense variant does not alter protein structure/function; Has not been previously published as pathogenic or benign to our knowledge